The following is an entry in ClinVar:

ClinVar aggregate classification (germline): Uncertain significance. Review status: criteria provided, multiple submitters, no conflicts (2 of 4 stars). 5 submissions from 5 submitters: Uncertain significance (5). Last evaluated 2026-09-02.

Conditions:
Myopathy, myofibrillar, 9, with early respiratory failure (MFM9). Also called: Hereditary myopathy with early respiratory failure; MYOPATHY, PROXIMAL, WITH EARLY RESPIRATORY MUSCLE INVOLVEMENT; EDSTROM MYOPATHY; Myopathy, distal, with early respiratory failure, autosomal dominant. Identifiers: Orphanet 178464, Orphanet 34521, MedGen C1863599, MONDO:0011362, OMIM 603689.
Tibial muscular dystrophy (TMD). Also called: Udd Distal Myopathy – Tibial Muscular Dystrophy; UDD MYOPATHY; Tibial muscular dystrophy, tardive. Identifiers: Orphanet 609, MedGen C1838244, MONDO:0010870, OMIM 600334.
Autosomal recessive limb-girdle muscular dystrophy type 2J (LGMDR10). Also called: Limb-girdle muscular dystrophy, type 2J; MUSCULAR DYSTROPHY, LIMB-GIRDLE, AUTOSOMAL RECESSIVE 10. Identifiers: Orphanet 140922, MedGen C1837342, MONDO:0012127, OMIM 608807.
Primary dilated cardiomyopathy (DCM). Also called: Dilated Cardiomyopathy. Identifiers: Orphanet 217604, MedGen C0007193, MeSH D002311, MONDO:0005021, HP:0001644. Inheritance: Various modes of inheritance.
Autosomal recessive centronuclear myopathy. Also called: Centronuclear Myopathy, Recessive. Identifiers: Orphanet 169186, MedGen C3645536, MONDO:0015705.
Cardiovascular phenotype. Identifiers: MedGen CN230736.
TTN-related disorder. Also called: TTN-related condition; TTN-related disease; TTN-related disorders.
Dilated cardiomyopathy 1G (CMD1G). Identifiers: Orphanet 154, MedGen C1858763, MONDO:0011400, OMIM 604145.
Hypertrophic cardiomyopathy 9. Also called: Familial hypertrophic cardiomyopathy 9. Identifiers: MedGen C1861065, MONDO:0013412, OMIM 613765.
Early-onset myopathy with fatal cardiomyopathy (CMYO5). Also called: Salih Myopathy; CONGENITAL MYOPATHY 5 WITH CARDIOMYOPATHY. Identifiers: Orphanet 289377, MedGen C2673677, MONDO:0012714, OMIM 611705. Disease mechanism: loss of function.

Allele frequency attached by ClinVar (database versions not stated): gnomAD 0.00001; gnomAD exomes 0.00001 and 0.00002; TOPMed 0.00001; ExAC 0.00002.
gnomAD v4.1: 19 of 1,613,100 alleles (0.0012%); highest among the groups gnomAD compares: Middle Eastern, 0.033%; no homozygotes.

Submissions (5):

PreventionGenetics, part of Exact Sciences
Classification: Uncertain significance for TTN-related condition. Last evaluated: 2026-09-02. Review status: criteria provided, single submitter. Criteria: ACMG Guidelines, 2015. Collection method: clinical testing. Allele origin: germline.
Comment: The TTN c.13940A>G variant is predicted to result in the amino acid substitution p.Asp4647Gly. To our knowledge, this variant has not been reported in the literature. This variant is reported in 0.0039% of alleles in individuals of European (Non-Finnish) descent in gnomAD. At this time, the clinical significance of this variant is uncertain due to the absence of conclusive functional and genetic evidence.

Labcorp Genetics (formerly Invitae), Labcorp
Classification: Uncertain significance for Dilated cardiomyopathy 1G; Autosomal recessive limb-girdle muscular dystrophy type 2J. Last evaluated: 2022-01-11. Review status: criteria provided, single submitter. Criteria: Invitae Variant Classification Sherloc (09022015). Collection method: clinical testing. Allele origin: germline.
Comment: This sequence change replaces aspartic acid, which is acidic and polar, with glycine, which is neutral and non-polar, at codon 4647 of the TTN protein (p.Asp4647Gly). This variant is present in population databases (rs781348816, gnomAD 0.004%). This variant has not been reported in the literature in individuals affected with TTN-related conditions. ClinVar contains an entry for this variant (Variation ID: 466818). Algorithms developed to predict the effect of missense changes on protein structure and function output the following: SIFT: "Not Available"; PolyPhen-2: "Not Available"; Align-GVGD: "Not Available". The glycine amino acid residue is found in multiple mammalian species, which suggests that this missense change does not adversely affect protein function. Algorithms developed to predict the effect of sequence changes on RNA splicing suggest that this variant may create or strengthen a splice site. This variant is located in the I band of TTN (PMID: 25589632). Variants in this region may be clinically relevant, but have not been definitively shown to cause cardiomyopathy or neuromuscular disease (PMID: 27493940, 32778822). In summary, the available evidence is currently insufficient to determine the role of this variant in disease. Therefore, it has been classified as a Variant of Uncertain Significance.

Fulgent Genetics
Classification: Uncertain significance for Tibial muscular dystrophy; Myopathy, myofibrillar, 9, with early respiratory failure; Dilated cardiomyopathy 1G; Autosomal recessive limb-girdle muscular dystrophy type 2J; Early-onset myopathy with fatal cardiomyopathy; Hypertrophic cardiomyopathy 9. Last evaluated: 2021-10-26. Review status: criteria provided, single submitter. Criteria: ACMG Guidelines, 2015. Collection method: clinical testing. Allele origin: unknown.

Athena Diagnostics
Classification: Uncertain significance. Last evaluated: 2021-01-13. Review status: criteria provided, single submitter. Criteria: Athena Diagnostics criteria. Collection method: clinical testing. Allele origin: unknown.

Ambry Genetics
Classification: Uncertain significance for Cardiovascular phenotype. Last evaluated: 2020-08-24. Review status: criteria provided, single submitter. Criteria: Ambry Variant Classification Scheme 2023. Collection method: clinical testing. Allele origin: germline.
Comment: The p.D4284G variant (also known as c.12851A>G), located in coding exon 44 of the TTN gene, results from an A to G substitution at nucleotide position 12851. The aspartic acid at codon 4284 is replaced by glycine, an amino acid with similar properties. This amino acid position is not well conserved in available vertebrate species, and glycine is the reference amino acid in other vertebrate species. In addition, this alteration is predicted to be tolerated by in silico analysis. Since supporting evidence is limited at this time, the clinical significance of this alteration remains unclear.

Literature cited by the submitters: PubMed 25589632 (cited by Labcorp Genetics (formerly Invitae), Labcorp); PubMed 27493940 (cited by Labcorp Genetics (formerly Invitae), Labcorp); PubMed 32778822 (cited by Labcorp Genetics (formerly Invitae), Labcorp).

NM_001267550.2(TTN):c.13940A>G (p.Asp4647Gly)

Gene: TTN (titin; minus strand). Cytogenetic location: 2q31.2.
Variant type: single nucleotide variant.
Coding change: c.13940A>G on transcript NM_001267550.2 (MANE Select); coding-DNA position 13940, A replaced by G.
Protein change: p.Asp4647Gly; replaces aspartic acid 4647 with glycine.
Molecular consequence: missense variant. On other transcripts: intron variant (1).
Genome position (GRCh38, 1-based): chr2:178,739,293, T>C on the plus strand (A>G on the coding strand, the complement: TTN is on the minus strand). VCF-style: chr2-178739293-T-C. GRCh37 (hg19) VCF-style: chr2-179604020-T-C.
Other names: c.12989A>G, p.Asp4330Gly (NM_001256850.1); c.12851A>G, p.Asp4284Gly (NM_003319.4); c.13226A>G, p.Asp4409Gly (NM_133432.3); c.13427A>G, p.Asp4476Gly (NM_133437.4); c.10361-933A>G (NM_133378.4); c.13940A>G (NM_001267550.1); short protein forms D4647G, D4284G, D4409G, D4330G, D4476G.
Identifiers: ClinVar variation 466818 (VCV000466818.10), dbSNP rs781348816, ClinGen allele CA2002504.